The following is an entry in ClinVar:

ClinVar aggregate classification (germline): Conflicting classifications of pathogenicity. Review status: criteria provided, conflicting classifications (1 of 4 stars). 6 submissions from 6 submitters: Uncertain significance (1); Benign (2); Likely benign (1). 2 of the submissions do not count toward it. Last evaluated 2025-10-19.

Conditions:
SETD2-related disorder.
Luscan-Lumish syndrome. Identifiers: Orphanet 597738, MedGen C4085873, MONDO:0014791, OMIM 616831.

Allele frequency attached by ClinVar (database versions not stated): gnomAD 0.00005 and 0.00011; TOPMed 0.00007; ExAC 0.00013; gnomAD exomes 0.00016; 1000 Genomes Project 30x 0.00047; 1000 Genomes Project 0.00060.
gnomAD v4.1: 120 of 1,614,178 alleles (0.0074%); highest among the groups gnomAD compares: East Asian, 0.047%; no homozygotes.

Submissions (6):

Labcorp Genetics (formerly Invitae), Labcorp
Classification: Likely benign for Luscan-Lumish syndrome. Last evaluated: 2025-10-19. Review status: criteria provided, single submitter. Criteria: Invitae Variant Classification Sherloc (09022015). Collection method: clinical testing. Allele origin: germline.

CeGaT Center for Human Genetics Tuebingen
Classification: Benign. Last evaluated: 2022-03-01. Review status: criteria provided, single submitter. Criteria: CeGaT Center For Human Genetics Tuebingen Variant Classification Criteria Version 2. Collection method: clinical testing. Allele origin: germline. Affected: yes. Observed: 1 variant allele.
Comment: SETD2: BS1, BS2

GeneDx
Classification: Benign. Last evaluated: 2021-05-20. Review status: criteria provided, single submitter. Criteria: GeneDx Variant Classification Process June 2021. Collection method: clinical testing. Allele origin: germline. Affected: yes.

Fulgent Genetics
Classification: Uncertain significance for Luscan-Lumish syndrome. Last evaluated: 2018-10-31. Review status: criteria provided, single submitter. Criteria: ACMG Guidelines, 2015. Collection method: clinical testing. Allele origin: unknown.

PreventionGenetics, part of Exact Sciences
Classification: Likely benign for SETD2-related condition. Last evaluated: 2021-09-17. Review status: no assertion criteria provided. Collection method: clinical testing. Allele origin: germline. Not counted in ClinVar's aggregate classification.
Comment: This variant is classified as likely benign based on ACMG/AMP sequence variant interpretation guidelines (Richards et al. 2015 PMID: 25741868, with internal and published modifications).

ITMI
No classification provided. Condition: AllHighlyPenetrant. Last evaluated: 2013-09-19. Review status: no classification provided. Collection method: reference population. Allele origin: germline. Not counted in ClinVar's aggregate classification.
Comment: Please see associated publication for description of ethnicities

Literature cited by the submitters: PubMed 24728327 (cited by ITMI).

NM_014159.7(SETD2):c.2155A>G (p.Asn719Asp)

Gene: SETD2 (SET domain containing 2, histone lysine methyltransferase; minus strand). Cytogenetic location: 3p21.31.
Variant type: single nucleotide variant.
Coding change: c.2155A>G on transcript NM_014159.7 (MANE Select); coding-DNA position 2155, A replaced by G.
Protein change: p.Asn719Asp; replaces asparagine 719 with aspartic acid.
Molecular consequence: missense variant. On other transcripts: non-coding transcript variant (1).
Genome position (GRCh38, 1-based): chr3:47,122,481, T>C on the plus strand (A>G on the coding strand, the complement: SETD2 is on the minus strand). VCF-style: chr3-47122481-T-C. GRCh37 (hg19) VCF-style: chr3-47163971-T-C.
Other names: c.2023A>G, p.Asn675Asp (NM_001349370.3); short protein forms N719D, N675D.
Identifiers: ClinVar variation 135211 (VCV000135211.39), dbSNP rs115859828, ClinGen allele CA162026.